The following is an entry in ClinVar:

ClinVar aggregate classification (germline): Uncertain significance (1 of 4 stars; one submission).

Conditions:
Charcot-Marie-Tooth disease axonal type 2Z. Also called: CHARCOT-MARIE-TOOTH DISEASE, AXONAL, AUTOSOMAL DOMINANT, TYPE 2Z; CHARCOT-MARIE-TOOTH NEUROPATHY, TYPE 2Z. Identifiers: Orphanet 466768, MedGen C5569025, MONDO:0014736, OMIM 616688.

Submission:

Center for Human Genetics and Genomic Medicine, Uniklinik Rwth Aachen
Classification: Uncertain significance for Charcot-Marie-Tooth disease axonal type 2Z. Review status: criteria provided, single submitter. Criteria: ACMG Guidelines, 2015. Collection method: clinical testing. Allele origin: germline. Affected: yes.
Comment: The variant is absent from population databases and it has not been reported in the literature. Segregation analyses have not yet been performed. Bioinformatic prediction tools point to pathogenicity. We have classified it as a "variant of unknown significance".

NM_001303256.3(MORC2):c.1208G>A (p.Gly403Glu)

Gene: MORC2 (MORC family CW-type zinc finger 2; minus strand). Cytogenetic location: 22q12.2.
Variant type: single nucleotide variant.
Coding change: c.1208G>A on transcript NM_001303256.3 (MANE Select); coding-DNA position 1208, G replaced by A.
Protein change: p.Gly403Glu; replaces glycine 403 with glutamic acid.
Molecular consequence: missense variant.
Genome position (GRCh38, 1-based): chr22:30,938,071, C>T on the plus strand (G>A on the coding strand, the complement: MORC2 is on the minus strand). VCF-style: chr22-30938071-C-T. GRCh37 (hg19) VCF-style: chr22-31334058-C-T.
Other names: c.1208G>A, p.Gly403Glu (NM_001303257.2); c.1022G>A, p.Gly341Glu (NM_014941.3); short protein forms G341E, G403E.
Identifiers: ClinVar variation 1179009 (VCV001179009.2), dbSNP rs2147257051, ClinGen allele CA411239225.